The following is an entry in ClinVar:

NM_005228.5(EGFR):c.721A>C (p.Thr241Pro)

Gene: EGFR (epidermal growth factor receptor; plus strand). Cytogenetic location: 7p11.2.
Variant type: single nucleotide variant.
Coding change: c.721A>C on transcript NM_005228.5 (MANE Select); coding-DNA position 721, A replaced by C.
Protein change: p.Thr241Pro; replaces threonine 241 with proline.
Molecular consequence: missense variant. On other transcripts: intron variant (1).
Genome position (GRCh38, 1-based): chr7:55,152,638, A>C. VCF-style: chr7-55152638-A-C. GRCh37 (hg19) VCF-style: chr7-55220331-A-C.
Other names: c.586A>C, p.Thr196Pro (NM_001346897.2, NM_001346899.2); c.721A>C, p.Thr241Pro (NM_001346898.2, NM_201282.2, NM_201283.2 and 1 more transcripts); c.562A>C, p.Thr188Pro (NM_001346900.2); c.89-3192A>C (NM_001346941.2); short protein forms T188P, T196P, T241P.
Identifiers: ClinVar variation 4870263 (VCV004870263.1).

ClinVar aggregate classification (germline): Uncertain significance (1 of 4 stars; one submission).

Conditions:
Hereditary cancer-predisposing syndrome. Also called: Neoplastic Syndromes, Hereditary; Tumor predisposition; Hereditary Cancer Syndrome; Hereditary neoplastic syndrome. Identifiers: Orphanet 140162, MedGen C0027672, MeSH D009386, MONDO:0015356.

Submission:

Ambry Genetics
Classification: Uncertain significance for Hereditary cancer-predisposing syndrome. Last evaluated: 2026-05-04. Review status: criteria provided, single submitter. Criteria: Ambry Variant Classification Scheme 2023. Collection method: clinical testing. Allele origin: germline.
Comment: The p.T241P variant (also known as c.721A>C), located in coding exon 6 of the EGFR gene, results from an A to C substitution at nucleotide position 721. The threonine at codon 241 is replaced by proline, an amino acid with highly similar properties. This amino acid position is conserved. In addition, the in silico prediction for this alteration is inconclusive. Based on the available evidence, the clinical significance of this variant remains unclear.